The following is an entry in ClinVar:

NM_000048.4(ASL):c.392C>T (p.Thr131Met)

Gene: ASL (argininosuccinate lyase; plus strand). Cytogenetic location: 7q11.21.
Variant type: single nucleotide variant.
Coding change: c.392C>T on transcript NM_000048.4 (MANE Select); coding-DNA position 392, C replaced by T.
Protein change: p.Thr131Met; replaces threonine 131 with methionine.
Molecular consequence: missense variant.
Genome position (GRCh38, 1-based): chr7:66,083,120, C>T. VCF-style: chr7-66083120-C-T. GRCh37 (hg19) VCF-style: chr7-65548107-C-T.
Other names: p.T131M:ACG>ATG; c.392C>T, p.Thr131Met (NM_001024943.2, NM_001024944.2, NM_001024946.2); short protein forms T131M.
Identifiers: ClinVar variation 203625 (VCV000203625.28), dbSNP rs143793815, ClinGen allele CA312343.

ClinVar aggregate classification (germline): Benign/Likely benign. Review status: criteria provided, multiple submitters, no conflicts (2 of 4 stars). 9 submissions from 9 submitters: Benign (5); Likely benign (3). 1 of the submissions does not count toward it. Last evaluated 2026-01-28.

Conditions:
Argininosuccinate lyase deficiency. Also called: Argininosuccinic aciduria; ARGININOSUCCINIC ACID LYASE DEFICIENCY; ASL DEFICIENCY. Identifiers: Orphanet 23, MedGen C0268547, MONDO:0008815, OMIM 207900, HP:0025630.

Allele frequency attached by ClinVar (database versions not stated): gnomAD 0.00042 and 0.00083; ESP Exome Variant Server 0.00054; TOPMed 0.00057; gnomAD exomes 0.00235; ExAC 0.00248; 1000 Genomes Project 0.00300; 1000 Genomes Project 30x 0.00312.
gnomAD v4.1: 2,056 of 1,613,686 alleles (0.13%); highest among the groups gnomAD compares: South Asian, 1.4%; 31 homozygotes.

Submissions (9):

Labcorp Genetics (formerly Invitae), Labcorp
Classification: Benign for Argininosuccinate lyase deficiency. Last evaluated: 2026-01-28. Review status: criteria provided, single submitter. Criteria: Invitae Variant Classification Sherloc (09022015). Collection method: clinical testing. Allele origin: germline.

CeGaT Center for Human Genetics Tuebingen
Classification: Benign. Last evaluated: 2025-03-01. Review status: criteria provided, single submitter. Criteria: CeGaT Center For Human Genetics Tuebingen Variant Classification Criteria Version 2. Collection method: clinical testing. Allele origin: germline. Affected: yes. Observed: 1 variant allele.
Comment: ASL: BS1, BS2

Women's Health and Genetics/Laboratory Corporation of America, LabCorp
Classification: Benign. Last evaluated: 2022-05-10. Review status: criteria provided, single submitter. Criteria: LabCorp Variant Classification Summary - May 2015. Collection method: clinical testing. Allele origin: germline.
Comment: Variant summary: ASL c.392C>T (p.Thr131Met) results in a non-conservative amino acid change located in the Fumarate lyase, N-terminal domain (IPR022761) of the encoded protein sequence. Three of five in-silico tools predict a benign effect of the variant on protein function. The variant allele was found at a frequency of 0.0023 in 250460 control chromosomes, predominantly at a frequency of 0.015 within the South Asian subpopulation in the gnomAD database, including 6 homozygotes. The observed variant frequency within South Asian control individuals in the gnomAD database is approximately 4 fold of the estimated maximal expected allele frequency for a pathogenic variant in ASL causing Argininosuccinic Aciduria phenotype (0.0042), strongly suggesting that the variant is a benign polymorphism found primarily in populations of South Asian origin. To our knowledge, no experimental evidence demonstrating its impact on protein function have been reported. Five ClinVar submitters (evaluation after 2014) cite the variant as benign (n=3) and likely benign (n=2). Based on the evidence outlined above, the variant was classified as benign.

Genome-Nilou Lab
Classification: Benign for Argininosuccinate lyase deficiency. Last evaluated: 2021-07-01. Review status: criteria provided, single submitter. Criteria: ACMG Guidelines, 2015. Collection method: clinical testing. Allele origin: germline. Affected: no.

Mendelics
Classification: Likely benign for Argininosuccinate lyase deficiency. Last evaluated: 2019-05-28. Review status: criteria provided, single submitter. Criteria: Mendelics Assertion Criteria 2017. Collection method: clinical testing. Allele origin: unknown.

GeneDx
Classification: Likely benign. Last evaluated: 2017-10-25. Review status: criteria provided, single submitter. Criteria: GeneDx Variant Classification (06012015). Collection method: clinical testing. Allele origin: germline. Affected: yes.
Comment: This variant is considered likely benign or benign based on one or more of the following criteria: it is a conservative change, it occurs at a poorly conserved position in the protein, it is predicted to be benign by multiple in silico algorithms, and/or has population frequency not consistent with disease.

Breakthrough Genomics
Classification: Likely benign. Review status: criteria provided, single submitter. Criteria: ACMG Guidelines, 2015. Collection method: not provided. Allele origin: germline. Inheritance: Autosomal recessive inheritance. Affected: yes.

Broad Center for Mendelian Genomics, Broad Institute of MIT and Harvard
Classification: Benign for Argininosuccinate lyase deficiency. Review status: criteria provided, single submitter. Criteria: ACMG Guidelines, 2015. Collection method: research. Allele origin: germline. Inheritance: Autosomal recessive inheritance. Affected: yes.
Comment: In summary, this variant meets criteria to be classified as benign for autosomal recessive argininosuccinate lyase deficiency.

Natera, Inc.
Classification: Benign for Argininosuccinate lyase deficiency. Last evaluated: 2020-06-11. Review status: no assertion criteria provided. Collection method: clinical testing. Allele origin: germline. Not counted in ClinVar's aggregate classification.

Literature cited by the submitters: PubMed 12384776 (cited by Broad Center for Mendelian Genomics, Broad Institute of MIT and Harvard); PubMed 25087612 (cited by Broad Center for Mendelian Genomics, Broad Institute of MIT and Harvard).